The following is an entry in ClinVar:

ClinVar aggregate classification (germline): Uncertain significance. Review status: criteria provided, multiple submitters, no conflicts (2 of 4 stars). 2 submissions from 2 submitters: Uncertain significance (2). Last evaluated 2025-06-11.

Conditions:
Malignant hyperthermia, susceptibility to, 1 (MHS1). Also called: Anesthesia related hyperthermia; Malignant hyperpyrexia; Fulminating hyperpyrexia; Pharmacogenic myopathy; RYR1-Related Malignant Hyperthermia Susceptibility; Malignant hyperthermia suceptibility 1. Identifiers: Orphanet 423, MedGen C2930980, MONDO:0007783, OMIM 145600.

Submissions (2):

GeneDx
Classification: Uncertain significance. Last evaluated: 2025-06-11. Review status: criteria provided, single submitter. Criteria: GeneDx Variant Classification Process June 2021. Collection method: clinical testing. Allele origin: germline. Affected: yes.
Comment: Not observed at significant frequency in large population cohorts (gnomAD); In silico analysis supports that this missense variant has a deleterious effect on protein structure/function; Has not been previously published as pathogenic or benign to our knowledge

All of Us Research Program, National Institutes of Health
Classification: Uncertain significance for Malignant hyperthermia, susceptibility to, 1. Last evaluated: 2023-09-04. Review status: criteria provided, single submitter. Criteria: ACMG Guidelines, 2015. Collection method: clinical testing. Allele origin: germline. Inheritance: Autosomal dominant inheritance. Observed: 1 variant allele, 1 heterozygote.
Comment: This missense variant replaces serine with tyrosine at codon 1435 of the RYR1 protein. Computational prediction is inconclusive regarding the impact of this variant on protein structure and function (internally defined REVEL score threshold 0.5 < inconclusive < 0.7, PMID: 27666373). To our knowledge, functional studies have not been reported for this variant. This variant has not been reported in individuals affected with RYR1-related disorders in the literature. This variant has not been identified in the general population by the Genome Aggregation Database (gnomAD). The available evidence is insufficient to determine the role of this variant in disease conclusively. Therefore, this variant is classified as a Variant of Uncertain Significance.

This study involves interpretation of variants in research participants for the purpose of population health screening. Participant phenotype was not available at the time of variant classification. Additional details can be found in publication PMID: 35346344, PMCID: PMC8962531

NM_000540.3(RYR1):c.4304C>A (p.Ser1435Tyr)

Gene: RYR1 (ryanodine receptor 1; plus strand). Cytogenetic location: 19q13.2.
Variant type: single nucleotide variant.
Coding change: c.4304C>A on transcript NM_000540.3 (MANE Select); coding-DNA position 4304, C replaced by A.
Protein change: p.Ser1435Tyr; replaces serine 1435 with tyrosine.
Molecular consequence: missense variant.
Genome position (GRCh38, 1-based): chr19:38,477,720, C>A. VCF-style: chr19-38477720-C-A. GRCh37 (hg19) VCF-style: chr19-38968360-C-A.
Other names: c.4304C>A, p.Ser1435Tyr (NM_001042723.2); short protein forms S1435Y.
Identifiers: ClinVar variation 3073318 (VCV003073318.2), dbSNP rs915562607, ClinGen allele CA308084411.